The following is an entry in ClinVar:

ClinVar aggregate classification (germline): Uncertain significance (1 of 4 stars; one submission).

Allele frequency attached by ClinVar (database versions not stated): gnomAD exomes below 0.00001; ExAC 0.00001; gnomAD 0.00001; TOPMed 0.00001.
gnomAD v4.1: 7 of 1,614,032 alleles (0.00043%); highest among the groups gnomAD compares: Non-Finnish European, 0.00051%; no homozygotes.

Submission:

Labcorp Genetics (formerly Invitae), Labcorp
Classification: Uncertain significance. Last evaluated: 2023-03-14. Review status: criteria provided, single submitter. Criteria: Invitae Variant Classification Sherloc (09022015). Collection method: clinical testing. Allele origin: germline.
Comment: Advanced modeling of protein sequence and biophysical properties (such as structural, functional, and spatial information, amino acid conservation, physicochemical variation, residue mobility, and thermodynamic stability) performed at Invitae indicates that this missense variant is not expected to disrupt CFB protein function. In summary, the available evidence is currently insufficient to determine the role of this variant in disease. Therefore, it has been classified as a Variant of Uncertain Significance. This variant has not been reported in the literature in individuals affected with CFB-related conditions. This variant is present in population databases (rs760843055, gnomAD 0.0009%). This sequence change replaces leucine, which is neutral and non-polar, with valine, which is neutral and non-polar, at codon 275 of the CFB protein (p.Leu275Val).

NM_001710.6(CFB):c.823C>G (p.Leu275Val)

Gene: CFB (complement factor B; plus strand). Cytogenetic location: 6p21.33.
Variant type: single nucleotide variant.
Coding change: c.823C>G on transcript NM_001710.6 (MANE Select); coding-DNA position 823, C replaced by G.
Protein change: p.Leu275Val; replaces leucine 275 with valine.
Molecular consequence: missense variant.
Genome position (GRCh38, 1-based): chr6:31,948,007, C>G. VCF-style: chr6-31948007-C-G. GRCh37 (hg19) VCF-style: chr6-31915784-C-G.
Other names: short protein forms L275V.
Identifiers: ClinVar variation 2875094 (VCV002875094.3), dbSNP rs760843055, ClinGen allele CA3728163.